The following is an entry in ClinVar:

NM_018942.3(HMX1):c.28C>G (p.Arg10Gly)

Gene: HMX1 (H6 family homeobox 1; minus strand). Cytogenetic location: 4p16.1.
Variant type: single nucleotide variant.
Coding change: c.28C>G on transcript NM_018942.3 (MANE Select); coding-DNA position 28, C replaced by G.
Protein change: p.Arg10Gly; replaces arginine 10 with glycine.
Molecular consequence: missense variant.
Genome position (GRCh38, 1-based): chr4:8,871,587, G>C on the plus strand (C>G on the coding strand, the complement: HMX1 is on the minus strand). VCF-style: chr4-8871587-G-C. GRCh37 (hg19) VCF-style: chr4-8873313-G-C.
Other names: c.28C>G, p.Arg10Gly (NM_001306142.2); short protein forms R10G.
Identifiers: ClinVar variation 2123862 (VCV002123862.5), dbSNP rs1236050379, ClinGen allele CA356279542.

ClinVar aggregate classification (germline): Uncertain significance. Review status: criteria provided, multiple submitters, no conflicts (2 of 4 stars). 2 submissions from 2 submitters: Uncertain significance (2). Last evaluated 2022-09-19.

Conditions:
Inborn genetic diseases. Identifiers: MedGen C0950123, MeSH D030342.

gnomAD v4.1: 1 of 1,340,964 alleles (0.000075%); highest among the groups gnomAD compares: African/African-American, 0.0015%; no homozygotes.

Submissions (2):

Ambry Genetics
Classification: Uncertain significance for Inborn genetic diseases. Last evaluated: 2022-09-19. Review status: criteria provided, single submitter. Criteria: Ambry Variant Classification Scheme 2023. Collection method: clinical testing. Allele origin: germline.

Labcorp Genetics (formerly Invitae), Labcorp
Classification: Uncertain significance. Last evaluated: 2022-04-09. Review status: criteria provided, single submitter. Criteria: Invitae Variant Classification Sherloc (09022015). Collection method: clinical testing. Allele origin: germline.
Comment: Algorithms developed to predict the effect of missense changes on protein structure and function are either unavailable or do not agree on the potential impact of this missense change (SIFT: "Tolerated"; PolyPhen-2: "Not Available"; Align-GVGD: "Class C0"). In summary, the available evidence is currently insufficient to determine the role of this variant in disease. Therefore, it has been classified as a Variant of Uncertain Significance. This variant has not been reported in the literature in individuals affected with HMX1-related conditions. This variant is present in population databases (no rsID available, gnomAD 0.01%). This sequence change replaces arginine, which is basic and polar, with glycine, which is neutral and non-polar, at codon 10 of the HMX1 protein (p.Arg10Gly).